The following is an entry in ClinVar:

ClinVar aggregate classification (germline): Uncertain significance (1 of 4 stars; one submission).

gnomAD v4.1: 1 of 1,613,438 alleles (0.000062%); highest among the groups gnomAD compares: Non-Finnish European, 0.000085%; no homozygotes.

Submission:

GeneDx
Classification: Uncertain significance. Last evaluated: 2024-12-23. Review status: criteria provided, single submitter. Criteria: GeneDx Variant Classification Process June 2021. Collection method: clinical testing. Allele origin: germline. Affected: yes.
Comment: Not observed at significant frequency in large population cohorts (gnomAD); In silico analysis supports that this missense variant has a deleterious effect on protein structure/function; Has not been previously published as pathogenic or benign to our knowledge; This variant is associated with the following publications: (PMID: 27350570, 19898472)

NM_203447.4(DOCK8):c.5041G>A (p.Asp1681Asn)

Gene: DOCK8 (dedicator of cytokinesis 8; plus strand). Cytogenetic location: 9p24.3.
Variant type: single nucleotide variant.
Coding change: c.5041G>A on transcript NM_203447.4 (MANE Select); coding-DNA position 5041, G replaced by A.
Protein change: p.Asp1681Asn; replaces aspartic acid 1681 with asparagine.
Molecular consequence: missense variant.
Genome position (GRCh38, 1-based): chr9:434,937, G>A. VCF-style: chr9-434937-G-A. GRCh37 (hg19) VCF-style: chr9-434937-G-A.
Other names: c.4741G>A, p.Asp1581Asn (NM_001190458.2); c.4837G>A, p.Asp1613Asn (NM_001193536.2); short protein forms D1581N, D1613N, D1681N.
Identifiers: ClinVar variation 3906442 (VCV003906442.1).